The following is an entry in ClinVar:

NM_199420.4(POLQ):c.1400G>T (p.Arg467Leu)

Gene: POLQ (DNA polymerase theta; minus strand). Cytogenetic location: 3q13.33.
Variant type: single nucleotide variant.
Coding change: c.1400G>T on transcript NM_199420.4 (MANE Select); coding-DNA position 1400, G replaced by T.
Protein change: p.Arg467Leu; replaces arginine 467 with leucine.
Molecular consequence: missense variant.
Genome position (GRCh38, 1-based): chr3:121,519,939, C>A on the plus strand (G>T on the coding strand, the complement: POLQ is on the minus strand). VCF-style: chr3-121519939-C-A. GRCh37 (hg19) VCF-style: chr3-121238786-C-A.
Other names: short protein forms R467L.
Identifiers: ClinVar variation 3308534 (VCV003308534.1).

ClinVar aggregate classification (germline): Uncertain significance (1 of 4 stars; one submission).

gnomAD v4.1: 6 of 1,612,032 alleles (0.00037%); highest among the groups gnomAD compares: Admixed American, 0.01%; no homozygotes.

Submission:

Ambry Genetics
Classification: Uncertain significance. Last evaluated: 2024-04-12. Review status: criteria provided, single submitter. Criteria: Ambry Variant Classification Scheme 2023. Collection method: clinical testing. Allele origin: germline.
Comment: The p.R467L variant (also known as c.1400G>T), located in coding exon 9 of the POLQ gene, results from a G to T substitution at nucleotide position 1400. The arginine at codon 467 is replaced by leucine, an amino acid with dissimilar properties. This amino acid position is conserved. In addition, this alteration is predicted to be tolerated by in silico analysis. Based on the available evidence, the clinical significance of this variant remains unclear.